The following is an entry in ClinVar:

ClinVar aggregate classification (germline): Uncertain significance (1 of 4 stars; one submission).

Conditions:
Developmental and epileptic encephalopathy 94 (DEE94). Also called: Epileptic encephalopathy, childhood-onset; CHD2-Related Neurodevelopmental Disorders. Identifiers: Orphanet 1942, Orphanet 2382, MedGen C3809278, MONDO:0014150, OMIM 615369.

Allele frequency attached by ClinVar (database versions not stated): gnomAD 0.00001; TOPMed 0.00001; ExAC 0.00002; gnomAD exomes 0.00002 and 0.00004; ESP Exome Variant Server 0.00008.
gnomAD v4.1: 30 of 1,613,906 alleles (0.0019%); highest among the groups gnomAD compares: East Asian, 0.0045%; no homozygotes.

Submission:

Labcorp Genetics (formerly Invitae), Labcorp
Classification: Uncertain significance for Developmental and epileptic encephalopathy 94. Last evaluated: 2026-01-28. Review status: criteria provided, single submitter. Criteria: Invitae Variant Classification Sherloc (09022015). Collection method: clinical testing. Allele origin: germline.
Comment: This sequence change replaces glycine, which is neutral and non-polar, with arginine, which is basic and polar, at codon 1687 of the CHD2 protein (p.Gly1687Arg). This variant is present in population databases (rs149696735, gnomAD 0.02%). This variant has not been reported in the literature in individuals affected with CHD2-related conditions. ClinVar contains an entry for this variant (Variation ID: 947883). Invitae Evidence Modeling of protein sequence and biophysical properties (such as structural, functional, and spatial information, amino acid conservation, physicochemical variation, residue mobility, and thermodynamic stability) indicates that this missense variant is not expected to disrupt CHD2 protein function with a negative predictive value of 95%. In summary, the available evidence is currently insufficient to determine the role of this variant in disease. Therefore, it has been classified as a Variant of Uncertain Significance.

NM_001271.4(CHD2):c.5059G>A (p.Gly1687Arg)

Gene: CHD2 (chromodomain helicase DNA binding protein 2; plus strand). Cytogenetic location: 15q26.1.
Variant type: single nucleotide variant.
Coding change: c.5059G>A on transcript NM_001271.4 (MANE Select); coding-DNA position 5059, G replaced by A.
Protein change: p.Gly1687Arg; replaces glycine 1687 with arginine.
Molecular consequence: missense variant.
Genome position (GRCh38, 1-based): chr15:93,020,164, G>A. VCF-style: chr15-93020164-G-A. GRCh37 (hg19) VCF-style: chr15-93563394-G-A.
Other names: short protein forms G1687R.
Identifiers: ClinVar variation 947883 (VCV000947883.9), dbSNP rs149696735, ClinGen allele CA7748638.